The following is an entry in ClinVar:

NM_000497.4(CYP11B1):c.1019T>G (p.Leu340Arg)

Genes: CYP11B1 (cytochrome P450 family 11 subfamily B member 1; minus strand), LOC106799833 (CYP11B1 recombination region; plus strand). Cytogenetic location: 8q24.3.
Variant type: single nucleotide variant.
Coding change: c.1019T>G on transcript NM_000497.4 (MANE Select); coding-DNA position 1019, T replaced by G.
Protein change: p.Leu340Arg; replaces leucine 340 with arginine.
Molecular consequence: missense variant.
Genome position (GRCh38, 1-based): chr8:142,875,814, A>C on the plus strand (T>G on the coding strand, the complement: CYP11B1 is on the minus strand). VCF-style: chr8-142875814-A-C. GRCh37 (hg19) VCF-style: chr8-143957230-A-C.
Other names: c.1019T>G, p.Leu340Arg (NM_001026213.1); short protein forms L340R.
Identifiers: ClinVar variation 2674660 (VCV002674660.2), dbSNP rs764534524, ClinGen allele CA4905179.

ClinVar aggregate classification (germline): Conflicting classifications of pathogenicity. Review status: criteria provided, conflicting classifications (1 of 4 stars). 2 submissions from 2 submitters: Likely pathogenic (1); Uncertain significance (1). Last evaluated 2024-05-31.

Conditions:
Deficiency of steroid 11-beta-monooxygenase (CYP11B1). Also called: ADRENAL HYPERPLASIA, CONGENITAL, DUE TO STEROID 11-BETA-HYDROXYLASE DEFICIENCY; P450C11B1 DEFICIENCY; STEROID 11-BETA-HYDROXYLASE DEFICIENCY; ADRENAL HYPERPLASIA IV; Congenital adrenal hyperplasia due to 11-beta-hydroxylase deficiency; 11-BETA-HYDROXYLASE DEFICIENCY. Identifiers: Orphanet 90795, MedGen C0268292, MONDO:0008729, OMIM 202010. Disease mechanism: loss of function.
Glucocorticoid-remediable aldosteronism. Also called: ALDOSTERONISM, SENSITIVE TO DEXAMETHASONE; Hyperaldosteronism, familial, type I; ACTH-DEPENDENT HYPERALDOSTERONISM SYNDROME; FH I; GLUCOCORTICOID-SUPPRESSIBLE HYPERALDOSTERONISM. Identifiers: Orphanet 403, MedGen C3838731, MONDO:0007080, OMIM 103900.

gnomAD v4.1: 13 of 1,613,948 alleles (0.00081%); highest among the groups gnomAD compares: Non-Finnish European, 0.0011%; no homozygotes.

Submissions (2):

Fulgent Genetics
Classification: Uncertain significance for Glucocorticoid-remediable aldosteronism; Deficiency of steroid 11-beta-monooxygenase. Last evaluated: 2024-05-31. Review status: criteria provided, single submitter. Criteria: ACMG Guidelines, 2015. Collection method: clinical testing. Allele origin: germline.

Clinical Biochemistry Laboratory, Health Services Laboratory
Classification: Likely pathogenic for Deficiency of steroid 11-beta-monooxygenase. Last evaluated: 2023-11-20. Review status: criteria provided, single submitter. Criteria: ACMG Guidelines, 2015. Collection method: clinical testing. Allele origin: germline. Affected: yes.
Comment: ACMG:PM1 PM2 PM3 PP3